The following is an entry in ClinVar:

ClinVar aggregate classification (germline): Uncertain significance (1 of 4 stars; one submission).

Submission:

Dasa
Classification: Uncertain significance. Last evaluated: 2025-06-11. Review status: criteria provided, single submitter. Criteria: DASA Assertion Criteria. Collection method: clinical testing. Allele origin: germline.
Comment: NM_015021.3(ZNF292):c.2892A>C (p.Glu964Asp) is a missense variant that results in the substitution of glutamic acid with aspartic acid. This variant is absent from population databases. Computational prediction algorithms are consistent with a benign effect. The currently available literature and clinical evidence are not sufficient to establish a definitive association between this variant and the reported condition. Therefore, this variant is classified as a variant of uncertain significance.

NM_015021.3(ZNF292):c.2892A>C (p.Glu964Asp)

Gene: ZNF292 (zinc finger protein 292; plus strand). Cytogenetic location: 6q14.3.
Variant type: single nucleotide variant.
Coding change: c.2892A>C on transcript NM_015021.3 (MANE Select); coding-DNA position 2892, A replaced by C.
Protein change: p.Glu964Asp; replaces glutamic acid 964 with aspartic acid.
Molecular consequence: missense variant.
Genome position (GRCh38, 1-based): chr6:87,256,521, A>C. VCF-style: chr6-87256521-A-C. GRCh37 (hg19) VCF-style: chr6-87966239-A-C.
Other names: c.2472A>C, p.Glu824Asp (NM_001351444.2); short protein forms E824D, E964D.
Identifiers: ClinVar variation 4884962 (VCV004884962.2).